The following is an entry in ClinVar:

ClinVar aggregate classification (germline): Benign/Likely benign. Review status: criteria provided, multiple submitters, no conflicts (2 of 4 stars). 2 submissions from 2 submitters: Benign (1); Likely benign (1). Last evaluated 2025-10-09.

Conditions:
Hereditary spastic paraplegia 50 (SPG50). Also called: Spastic paraplegia 50, autosomal recessive. Identifiers: Orphanet 280763, MedGen C2752008, MONDO:0013048, OMIM 612936.

Allele frequency attached by ClinVar (database versions not stated): ESP Exome Variant Server 0.00031; 1000 Genomes Project 30x 0.00047; 1000 Genomes Project 0.00060; ExAC 0.00140; gnomAD exomes 0.00168.

Submissions (2):

Labcorp Genetics (formerly Invitae), Labcorp
Classification: Benign for Hereditary spastic paraplegia 50. Last evaluated: 2025-10-09. Review status: criteria provided, single submitter. Criteria: Invitae Variant Classification Sherloc (09022015). Collection method: clinical testing. Allele origin: germline.

CeGaT Center for Human Genetics Tuebingen
Classification: Likely benign. Last evaluated: 2022-11-01. Review status: criteria provided, single submitter. Criteria: CeGaT Center For Human Genetics Tuebingen Variant Classification Criteria Version 2. Collection method: clinical testing. Allele origin: germline. Affected: yes. Observed: 1 variant allele.
Comment: AP4M1: BP4, BP7

NM_004722.4(AP4M1):c.861C>T (p.Ser287=)

Gene: AP4M1 (adaptor related protein complex 4 subunit mu 1; plus strand). Cytogenetic location: 7q22.1.
Variant type: single nucleotide variant.
Coding change: c.861C>T on transcript NM_004722.4 (MANE Select); coding-DNA position 861, C replaced by T.
Protein change: p.Ser287=; no amino-acid change (serine 287 retained).
Molecular consequence: synonymous variant.
Genome position (GRCh38, 1-based): chr7:100,105,471, C>T. VCF-style: chr7-100105471-C-T. GRCh37 (hg19) VCF-style: chr7-99703094-C-T.
Other names: c.882C>T, p.Ser294= (NM_001363671.2).
Identifiers: ClinVar variation 1670104 (VCV001670104.33), dbSNP rs142325884, ClinGen allele CA4374836.